The following is an entry in ClinVar:

NM_019892.6(INPP5E):c.812+8_812+11del

Gene: INPP5E (inositol polyphosphate-5-phosphatase E; minus strand). Cytogenetic location: 9q34.3.
Variant type: Deletion.
Coding change: c.812+8_812+11del on transcript NM_019892.6 (MANE Select); bases 8 to 11 of the intron after coding-DNA position 812, 4 bases deleted (GGGC; older notation c.812+8_812+11delGGGC).
Molecular consequence: intron variant.
Genome position (GRCh38, 1-based): chr9:136,438,597-136,438,600, GCCC deleted on the plus strand (GGGC on the coding strand, the reverse complement: INPP5E is on the minus strand). VCF-style (leftmost placement, unchanged base first): chr9-136438596-GGCCC-G. GRCh37 (hg19) VCF-style: chr9-139333048-GGCCC-G.
Other names: c.812+8_812+11del (NM_001318502.2).
Identifiers: ClinVar variation 972319 (VCV000972319.10), dbSNP rs1216101553, ClinGen allele CA467722544.

ClinVar aggregate classification (germline): Uncertain significance (1 of 4 stars; one submission).

Conditions:
Joubert syndrome. Also called: Familial aplasia of the vermis; CEREBELLOPARENCHYMAL DISORDER IV; JOUBERT-BOLTSHAUSER SYNDROME. Identifiers: Orphanet 475, MedGen C5979921, MONDO:0018772.

Allele frequency attached by ClinVar (database versions not stated): gnomAD exomes below 0.00001.

Submission:

Labcorp Genetics (formerly Invitae), Labcorp
Classification: Uncertain significance for Joubert syndrome. Last evaluated: 2022-01-06. Review status: criteria provided, single submitter. Criteria: Invitae Variant Classification Sherloc (09022015). Collection method: clinical testing. Allele origin: germline.
Comment: ClinVar contains an entry for this variant (Variation ID: 972319). This variant has not been reported in the literature in individuals affected with INPP5E-related conditions. This variant is not present in population databases (gnomAD no frequency). This sequence change falls in intron 1 of the INPP5E gene. It does not directly change the encoded amino acid sequence of the INPP5E protein. In summary, the available evidence is currently insufficient to determine the role of this variant in disease. Therefore, it has been classified as a Variant of Uncertain Significance. Algorithms developed to predict the effect of sequence changes on RNA splicing suggest that this variant is not likely to affect RNA splicing.